The following is an entry in ClinVar:

NM_019098.5(CNGB3):c.1214T>C (p.Leu405Ser)

Gene: CNGB3 (cyclic nucleotide gated channel subunit beta 3; minus strand). Cytogenetic location: 8q21.3.
Variant type: single nucleotide variant.
Coding change: c.1214T>C on transcript NM_019098.5 (MANE Select); coding-DNA position 1214, T replaced by C.
Protein change: p.Leu405Ser; replaces leucine 405 with serine.
Molecular consequence: missense variant.
Genome position (GRCh38, 1-based): chr8:86,632,858, A>G on the plus strand (T>C on the coding strand, the complement: CNGB3 is on the minus strand). VCF-style: chr8-86632858-A-G. GRCh37 (hg19) VCF-style: chr8-87645086-A-G.
Other names: short protein forms L405S.
Identifiers: ClinVar variation 1526136 (VCV001526136.3), dbSNP rs1178528306, ClinGen allele CA371444422.
Genomic context (GRCh38, chr8:86,632,858, plus strand): 5'-AAGAGTTGAAAAACAATTTCAAATAAAGTTTGTGGTTCTGGAAGGCCACCAATGGTAATT[A>G]AAGTTCGAACTGCCCAATAATAACATCTCAGATACCTGTGAAAACAGAAGATATACATTT-3'
Protein context (NP_061971.3, residues 395-415): LRCYYWAVRT[Leu405Ser]ITIGGLPEPQ

ClinVar aggregate classification (germline): Conflicting classifications of pathogenicity. Review status: criteria provided, conflicting classifications (1 of 4 stars). 3 submissions from 3 submitters: Pathogenic (1); Likely pathogenic (1); Uncertain significance (1). Last evaluated 2024-04-05.

Conditions:
Achromatopsia 3 (ACHM3). Also called: ACHROMATOPSIA WITH MYOPIA; PINGELAPESE BLINDNESS; TOTAL COLORBLINDNESS WITH MYOPIA; ROD MONOCHROMACY 1; ROD MONOCHROMATISM 1. Identifiers: Orphanet 49382, MedGen C1849792, MONDO:0009875, OMIM 262300.
CNGB3-related disorder. Also called: CNGB3-related disorders; CNGB3-related condition. Identifiers: MedGen CN239340.

Allele frequency attached by ClinVar (database versions not stated): gnomAD exomes below 0.00001 and 0.00001.
gnomAD v4.1: 7 of 1,612,802 alleles (0.00043%); highest among the groups gnomAD compares: South Asian, 0.0066%; no homozygotes.

Submissions (3):

Clinical Genetics and Genomics, Karolinska University Hospital
Classification: Pathogenic for Achromatopsia 3. Last evaluated: 2024-04-05. Review status: criteria provided, single submitter. Criteria: Strehlow et al. (Brain. 2019). Collection method: clinical testing. Allele origin: germline. Inheritance: Autosomal recessive inheritance. Affected: yes.

Blueprint Genetics
Classification: Likely pathogenic for CNGB3-related disorders. Last evaluated: 2023-02-28. Review status: criteria provided, single submitter. Criteria: ACMG Guidelines, 2015. Collection method: clinical testing. Allele origin: germline. Affected: yes. Observed: 5 variant alleles.

3billion
Classification: Uncertain significance for Achromatopsia 3. Last evaluated: 2022-03-22. Review status: criteria provided, single submitter. Criteria: ACMG Guidelines, 2015. Collection method: clinical testing. Allele origin: germline. Affected: yes. Observed: 1 homozygote.
Comment: The variant is observed at an extremely low frequency in the gnomAD v2.1.1 dataset (total allele frequency: 0.0000040). In silico tool predictions suggest damaging effect of the variant on gene or gene product (REVEL: 0.975>=0.6, 3CNET: 0.938>=0.75). Therefore, this variant is classified as uncertain significance according to the recommendation of ACMG/AMP guideline.